The following is an entry in ClinVar:

NM_005866.4(SIGMAR1):c.13del (p.Val5fs)

Genes: SIGMAR1 (sigma receptor chaperone 1; minus strand), LOC130001681 (ATAC-STARR-seq lymphoblastoid silent region 19853; plus strand). Cytogenetic location: 9p13.3.
Variant type: Deletion.
Coding change: c.13del on transcript NM_005866.4 (MANE Select); coding-DNA position 13, one base deleted (G; older notation c.13delG).
Protein change: p.Val5fs; shifts the reading frame from valine 5.
Molecular consequence: frameshift variant. On other transcripts: non-coding transcript variant (1), 5 prime UTR variant (1).
Genome position (GRCh38, 1-based): chr9:34,637,685, C deleted on the plus strand (G on the coding strand, the reverse complement: SIGMAR1 is on the minus strand). VCF-style (leftmost placement, unchanged base first): chr9-34637684-AC-A. GRCh37 (hg19) VCF-style: chr9-34637681-AC-A.
Other names: c.13del, p.Val5fs (NM_147157.3, NM_001282205.2, NM_001282207.2 and 2 more transcripts); c.-241del (NM_001282206.2); short protein forms V5fs.
Identifiers: ClinVar variation 569448 (VCV000569448.8), dbSNP rs1564096761, ClinGen allele CA891842468.

ClinVar aggregate classification (germline): Pathogenic (1 of 4 stars; one submission).

Conditions:
Autosomal recessive distal spinal muscular atrophy 2. Also called: NEURONOPATHY, DISTAL HEREDITARY MOTOR, JERASH TYPE; NEUROPATHY, DISTAL HEREDITARY MOTOR, JERASH TYPE; SPINAL MUSCULAR ATROPHY, JERASH TYPE; NEUROPATHY, DISTAL HEREDITARY MOTOR, AUTOSOMAL RECESSIVE 2; Hereditary motor neuropathy, Jerash type; Motor neuropathy, distal, Jerash type. Identifiers: Orphanet 139552, MedGen C1854023, MONDO:0011585, OMIM 605726.
Amyotrophic lateral sclerosis type 16. Also called: AMYOTROPHIC LATERAL SCLEROSIS 16, JUVENILE. Identifiers: Orphanet 300605, MedGen C3280587, MONDO:0013715, OMIM 614373.

Submission:

Labcorp Genetics (formerly Invitae), Labcorp
Classification: Pathogenic for Autosomal recessive distal spinal muscular atrophy 2; Amyotrophic lateral sclerosis type 16. Last evaluated: 2018-12-05. Review status: criteria provided, single submitter. Criteria: Invitae Variant Classification Sherloc (09022015). Collection method: clinical testing. Allele origin: germline.
Comment: The frequency data for this variant in the population databases is considered unreliable, as metrics indicate insufficient coverage at this position in the ExAC database. This variant has not been reported in the literature in individuals with SIGMAR1-related conditions. Loss-of-function variants in SIGMAR1 are known to be pathogenic (PMID: 6078401, 27402882, 29115704, 28708278). For these reasons, this variant has been classified as Pathogenic. This sequence change creates a premature translational stop signal (p.Val5Trpfs*18) in the SIGMAR1 gene. It is expected to result in an absent or disrupted protein product.

Literature cited by the submitters: PubMed 6078401; PubMed 27402882; PubMed 29115704; PubMed 28708278.